The following is an entry in ClinVar:

ClinVar aggregate classification (germline): Likely pathogenic (1 of 4 stars; one submission).

Submission:

Labcorp Genetics (formerly Invitae), Labcorp
Classification: Likely pathogenic. Last evaluated: 2023-01-08. Review status: criteria provided, single submitter. Criteria: Invitae Variant Classification Sherloc (09022015). Collection method: clinical testing. Allele origin: germline.
Comment: This sequence change replaces leucine, which is neutral and non-polar, with arginine, which is basic and polar, at codon 31 of the BEST1 protein (p.Leu31Arg). This variant is not present in population databases (gnomAD no frequency). This variant has not been reported in the literature in individuals affected with BEST1-related conditions. Advanced modeling of protein sequence and biophysical properties (such as structural, functional, and spatial information, amino acid conservation, physicochemical variation, residue mobility, and thermodynamic stability) performed at Invitae indicates that this missense variant is expected to disrupt BEST1 protein function. This variant disrupts the p.Leu31 amino acid residue in BEST1. Other variant(s) that disrupt this residue have been determined to be pathogenic (PMID: 31254423, 31766397, 33302512). This suggests that this residue is clinically significant, and that variants that disrupt this residue are likely to be disease-causing. In summary, the currently available evidence indicates that the variant is pathogenic, but additional data are needed to prove that conclusively. Therefore, this variant has been classified as Likely Pathogenic.

Literature cited by the submitters: PubMed 31254423; PubMed 31766397; PubMed 33302512.

NM_004183.4(BEST1):c.92T>G (p.Leu31Arg)

Gene: BEST1 (bestrophin 1; plus strand). Cytogenetic location: 11q12.3.
Variant type: single nucleotide variant.
Coding change: c.92T>G on transcript NM_004183.4 (MANE Select); coding-DNA position 92, T replaced by G.
Protein change: p.Leu31Arg; replaces leucine 31 with arginine.
Molecular consequence: missense variant. On other transcripts: non-coding transcript variant (1), intron variant (6).
Genome position (GRCh38, 1-based): chr11:61,951,898, T>G. VCF-style: chr11-61951898-T-G. GRCh37 (hg19) VCF-style: chr11-61719370-T-G.
Other names: c.92T>G, p.Leu31Arg (NM_001363592.2, NM_001440571.1, NM_001440572.1 and 1 more transcripts); c.-29+1471T>G (NM_001139443.3, NM_001300787.2, NM_001440574.1 and 3 more transcripts); short protein forms L31R.
Identifiers: ClinVar variation 2827057 (VCV002827057.3), dbSNP rs2541332491, ClinGen allele CA380831688.